The following is an entry in ClinVar:

ClinVar aggregate classification (germline): Likely pathogenic (1 of 4 stars; one submission).

Conditions:
Neurodevelopmental disorder with hypotonia, neuropathy, and deafness (NEDHND). Also called: Myopathy, congenital, with neuropathy and deafness; SPTBN4 Disorder. Identifiers: MedGen C4479603, MONDO:0060496, OMIM 617519.

Submission:

Variantyx, Inc.
Classification: Likely pathogenic for Neurodevelopmental disorder with hypotonia, neuropathy, and deafness. Last evaluated: 2025-03-24. Review status: criteria provided, single submitter. Criteria: Variantyx Assertion Criteria 2022. Collection method: clinical testing. Allele origin: germline. Inheritance: Autosomal recessive inheritance.
Comment: This is a nonsense variant in the SPTBN4 gene (OMIM: 606214). Pathogenic variants in this gene have been associated with autosomal recessive neurodevelopmental disorder with hypotonia, neuropathy, and deafness. This variant introduces a premature termination codon in exon 10 out of 36. It is expected to result in loss of function, which is a known disease mechanism for SPTBN4 in this disorder (PMID: 29861105) (PVS1). This variant is absent from control populations (PM2). This variant has not been reported in individuals with SPTBN4-related disorders in the databases available for review. Based on the current evidence, this variant is classified as likely pathogenic for autosomal recessive neurodevelopmental disorder with hypotonia, neuropathy, and deafness.

Literature cited by the submitters: PubMed 29861105.

NM_020971.3(SPTBN4):c.1090C>T (p.Gln364Ter)

Gene: SPTBN4 (spectrin beta, non-erythrocytic 4; plus strand). Cytogenetic location: 19q13.2.
Variant type: single nucleotide variant.
Coding change: c.1090C>T on transcript NM_020971.3 (MANE Select); coding-DNA position 1090, C replaced by T.
Protein change: p.Gln364Ter; replaces glutamine 364 with a stop codon.
Molecular consequence: nonsense.
Genome position (GRCh38, 1-based): chr19:40,502,394, C>T. VCF-style: chr19-40502394-C-T. GRCh37 (hg19) VCF-style: chr19-41008301-C-T.
Other names: short protein forms Q364*.
Identifiers: ClinVar variation 4813047 (VCV004813047.1).